The following is an entry in ClinVar:

NM_000492.4(CFTR):c.2752A>C (p.Ile918Leu)

Gene: CFTR (CF transmembrane conductance regulator; plus strand). Cytogenetic location: 7q31.2.
Variant type: single nucleotide variant.
Coding change: c.2752A>C on transcript NM_000492.4 (MANE Select); coding-DNA position 2752, A replaced by C.
Protein change: p.Ile918Leu; replaces isoleucine 918 with leucine.
Molecular consequence: missense variant.
Genome position (GRCh38, 1-based): chr7:117,603,626, A>C. VCF-style: chr7-117603626-A-C. GRCh37 (hg19) VCF-style: chr7-117243680-A-C.
Other names: short protein forms I918L.
Identifiers: ClinVar variation 1795578 (VCV001795578.4), dbSNP rs1267646551, ClinGen allele CA368986642.

ClinVar aggregate classification (germline): Uncertain significance (1 of 4 stars; one submission).

Conditions:
Cystic fibrosis (CF). Also called: MUCOVISCIDOSIS. Identifiers: Orphanet 586, MedGen C0010674, MONDO:0009061, OMIM 219700. Disease mechanism: loss of function.

Submission:

Ambry Genetics
Classification: Uncertain significance for Cystic fibrosis. Last evaluated: 2025-06-08. Review status: criteria provided, single submitter. Criteria: Ambry Variant Classification Scheme 2023. Collection method: clinical testing. Allele origin: germline.
Comment: The p.I918L variant (also known as c.2752A>C), located in coding exon 17 of the CFTR gene, results from an A to C substitution at nucleotide position 2752. The isoleucine at codon 918 is replaced by leucine, an amino acid with highly similar properties. This amino acid position is conserved. In addition, this alteration is predicted to be deleterious by in silico analysis. Since supporting evidence is limited at this time, the clinical significance of this alteration remains unclear.